The following is an entry in ClinVar:

ClinVar aggregate classification (germline): Uncertain significance (1 of 4 stars; one submission).

Allele frequency attached by ClinVar (database versions not stated): ExAC 0.00001; gnomAD exomes 0.00001; gnomAD 0.00002; TOPMed 0.00003.
gnomAD v4.1: 20 of 1,594,892 alleles (0.0013%); highest among the groups gnomAD compares: Admixed American, 0.0036%; no homozygotes.

Submission:

GeneDx
Classification: Uncertain significance. Last evaluated: 2019-12-18. Review status: criteria provided, single submitter. Criteria: GeneDx Variant Classification Process June 2021. Collection method: clinical testing. Allele origin: germline. Affected: yes.
Comment: Not observed at a significant frequency in large population cohorts (Lek et al., 2016); Has not been previously published as pathogenic or benign to our knowledge; In-silico analysis, which includes splice predictors and evolutionary conservation, is inconclusive as to whether the variant alters gene splicing. In the absence of RNA/functional studies, the actual effect of this sequence change is unknown.

NM_001267550.2(TTN):c.33248-4A>G

Gene: TTN (titin; minus strand). Cytogenetic location: 2q31.2.
Variant type: single nucleotide variant.
Coding change: c.33248-4A>G on transcript NM_001267550.2 (MANE Select); 4 bases into the intron before coding-DNA position 33248, A replaced by G.
Molecular consequence: intron variant.
Genome position (GRCh38, 1-based): chr2:178,681,175, T>C on the plus strand (A>G on the coding strand, the complement: TTN is on the minus strand). VCF-style: chr2-178681175-T-C. GRCh37 (hg19) VCF-style: chr2-179545902-T-C.
Other names: c.13283-38858A>G (NM_003319.4); c.13859-38858A>G (NM_133437.4); c.13658-38858A>G (NM_133432.3); c.29516-4A>G (NM_133378.4); c.32297-4A>G (NM_001256850.1).
Identifiers: ClinVar variation 1311237 (VCV001311237.2), dbSNP rs575971449, ClinGen allele CA1998403.